The following is an entry in ClinVar:

NM_000181.4(GUSB):c.338A>G (p.Gln113Arg)

Gene: GUSB (glucuronidase beta; minus strand). Cytogenetic location: 7q11.21.
Variant type: single nucleotide variant.
Coding change: c.338A>G on transcript NM_000181.4 (MANE Select); coding-DNA position 338, A replaced by G.
Protein change: p.Gln113Arg; replaces glutamine 113 with arginine.
Molecular consequence: missense variant. On other transcripts: 5 prime UTR variant (1), synonymous variant (1), non-coding transcript variant (1).
Genome position (GRCh38, 1-based): chr7:65,980,282, T>C on the plus strand (A>G on the coding strand, the complement: GUSB is on the minus strand). VCF-style: chr7-65980282-T-C. GRCh37 (hg19) VCF-style: chr7-65445269-T-C.
Other names: c.338A>G, p.Gln113Arg (NM_001284290.2); c.-48A>G (NM_001293104.2); c.9A>G, p.Pro3= (NM_001293105.2); short protein forms Q113R.
Identifiers: ClinVar variation 1484405 (VCV001484405.8), dbSNP rs1791915416, ClinGen allele CA367651765.

ClinVar aggregate classification (germline): Uncertain significance (1 of 4 stars; one submission).

Conditions:
Mucopolysaccharidosis type 7 (MPS7). Also called: BETA-GLUCURONIDASE DEFICIENCY; GUSB DEFICIENCY; SLY SYNDROME; MPS VII. Identifiers: Orphanet 584, MedGen C0085132, MONDO:0009662, OMIM 253220.

Submission:

Labcorp Genetics (formerly Invitae), Labcorp
Classification: Uncertain significance for Mucopolysaccharidosis type 7. Last evaluated: 2021-05-20. Review status: criteria provided, single submitter. Criteria: Invitae Variant Classification Sherloc (09022015). Collection method: clinical testing. Allele origin: germline.
Comment: In summary, the available evidence is currently insufficient to determine the role of this variant in disease. Therefore, it has been classified as a Variant of Uncertain Significance. Algorithms developed to predict the effect of missense changes on protein structure and function (SIFT, PolyPhen-2, Align-GVGD) all suggest that this variant is likely to be tolerated, but these predictions have not been confirmed by published functional studies and their clinical significance is uncertain. This variant has not been reported in the literature in individuals with GUSB-related conditions. This variant is not present in population databases (ExAC no frequency). This sequence change replaces glutamine with arginine at codon 113 of the GUSB protein (p.Gln113Arg). The glutamine residue is moderately conserved and there is a small physicochemical difference between glutamine and arginine.